The following is an entry in ClinVar:

ClinVar aggregate classification (germline): Uncertain significance. Review status: criteria provided, multiple submitters, no conflicts (2 of 4 stars). 3 submissions from 3 submitters: Uncertain significance (3). Last evaluated 2021-10-05.

Conditions:
Hypertrophic cardiomyopathy 1 (CMH1). Also called: Familial hypertrophic cardiomyopathy 1; MYH7-Related Familial Hypertrophic Cardiomyopathy. Identifiers: MedGen C3495498, MONDO:0008647, OMIM 192600.
Hypertrophic cardiomyopathy 14. Identifiers: MedGen C2750467, MONDO:0013197, OMIM 613251.
Dilated cardiomyopathy 1EE (CMD1EE). Identifiers: Orphanet 154, MedGen C2750466, MONDO:0013198, OMIM 613252.
Sick sinus syndrome 3, susceptibility to (SSS3). Identifiers: Orphanet 166282, MedGen C3279791, MONDO:0013568, OMIM 614090.
Atrial septal defect 3 (ASD3). Identifiers: Orphanet 1478, MedGen C3279790, MONDO:0013567, OMIM 614089.

Allele frequency attached by ClinVar (database versions not stated): gnomAD 0.00001; gnomAD exomes 0.00001 and 0.00003; TOPMed 0.00001; ExAC 0.00006.
gnomAD v4.1: 19 of 1,612,350 alleles (0.0012%); highest among the groups gnomAD compares: East Asian, 0.0089%; 1 homozygote.

Submissions (3):

Labcorp Genetics (formerly Invitae), Labcorp
Classification: Uncertain significance for Hypertrophic cardiomyopathy 14. Last evaluated: 2021-10-05. Review status: criteria provided, single submitter. Criteria: Invitae Variant Classification Sherloc (09022015). Collection method: clinical testing. Allele origin: germline.
Comment: In summary, the available evidence is currently insufficient to determine the role of this variant in disease. Therefore, it has been classified as a Variant of Uncertain Significance. Algorithms developed to predict the effect of missense changes on protein structure and function (SIFT, PolyPhen-2, Align-GVGD) all suggest that this variant is likely to be tolerated. ClinVar contains an entry for this variant (Variation ID: 44508). This variant has not been reported in the literature in individuals affected with MYH6-related conditions. This variant is present in population databases (rs397516769, ExAC 0.01%). This sequence change replaces valine with isoleucine at codon 1434 of the MYH6 protein (p.Val1434Ile). The valine residue is weakly conserved and there is a small physicochemical difference between valine and isoleucine.

Fulgent Genetics
Classification: Uncertain significance for Hypertrophic cardiomyopathy 1; Hypertrophic cardiomyopathy 14; Dilated cardiomyopathy 1EE; Atrial septal defect 3; Sick sinus syndrome 3, susceptibility to. Last evaluated: 2021-08-20. Review status: criteria provided, single submitter. Criteria: ACMG Guidelines, 2015. Collection method: clinical testing. Allele origin: unknown.

Laboratory for Molecular Medicine, Mass General Brigham Personalized Medicine
Classification: Uncertain significance. Last evaluated: 2011-12-23. Review status: criteria provided, single submitter. Criteria: LMM Criteria. Collection method: clinical testing. Allele origin: germline. Observed: 1 variant allele.
Comment: The Val1434Ile variant (MYH6) has not been previously reported nor previously id entified by our laboratory. Valine (Val) at position 1434 is moderately conserve d in evolutionarily distant species (frog carries a leucine), and this informati on is insufficient to predict if a change would impact the protein. Computationa l predictions on the impact to the protein are mixed (PolyPhen2 = benign, SIFT = pathogenic), though the accuracy of these tools is unknown. Additional informat ion is needed to fully assess the clinical significance of the Val1434Ile varian t.

NM_002471.4(MYH6):c.4300G>A (p.Val1434Ile)

Gene: MYH6 (myosin heavy chain 6; minus strand). Cytogenetic location: 14q11.2.
Variant type: single nucleotide variant.
Coding change: c.4300G>A on transcript NM_002471.4 (MANE Select); coding-DNA position 4300, G replaced by A.
Protein change: p.Val1434Ile; replaces valine 1434 with isoleucine.
Molecular consequence: missense variant.
Genome position (GRCh38, 1-based): chr14:23,388,214, C>T on the plus strand (G>A on the coding strand, the complement: MYH6 is on the minus strand). VCF-style: chr14-23388214-C-T. GRCh37 (hg19) VCF-style: chr14-23857423-C-T.
Other names: short protein forms V1434I.
Identifiers: ClinVar variation 44508 (VCV000044508.10), dbSNP rs397516769, ClinGen allele CA134394.